The following is an entry in ClinVar:

ClinVar aggregate classification (germline): Conflicting classifications of pathogenicity. Review status: criteria provided, conflicting classifications (1 of 4 stars). 2 submissions from 2 submitters: Pathogenic (1); Uncertain significance (1). Last evaluated 2025-06-10.

Conditions:
Intellectual developmental disorder, autosomal dominant 45. Also called: MENTAL RETARDATION, AUTOSOMAL DOMINANT 45; Intellectual disability, autosomal dominant 45. Identifiers: MedGen C4539848, MONDO:0030910, OMIM 617600.
Inborn genetic diseases. Identifiers: MedGen C0950123, MeSH D030342.

Submissions (2):

Ambry Genetics
Classification: Pathogenic for Inborn genetic diseases. Last evaluated: 2025-06-10. Review status: criteria provided, single submitter. Criteria: Ambry Variant Classification Scheme 2023. Collection method: clinical testing. Allele origin: germline.
Comment: The c.2414delC (p.P805Qfs*119) alteration, located in exon 10 (coding exon 10) of the CIC gene, consists of a deletion of one nucleotide at position 2414, causing a translational frameshift with a predicted alternate stop codon after 119 amino acids. This alteration is expected to result in loss of function by premature protein truncation or nonsense-mediated mRNA decay. This variant was not reported in population-based cohorts in the Genome Aggregation Database (gnomAD). Based on the available evidence, this alteration is classified as pathogenic.

Centre for Mendelian Genomics, University Medical Centre Ljubljana
Classification: Uncertain significance for Intellectual developmental disorder, autosomal dominant 45. Last evaluated: 2019-05-07. Review status: criteria provided, single submitter. Criteria: ACMG Guidelines, 2015. Collection method: clinical testing. Allele origin: unknown. Affected: yes.
Comment: This variant was classified as: Uncertain significance. The available evidence favors the pathogenic nature of this variant, however the currently available data is insufficient to conclusively support its pathogenic nature. Thus this variant is classified as Uncertain significance - favor pathogenic. The following ACMG criteria were applied in classifying this variant: PM2,PM6.

NM_001386298.1(CIC):c.5141del (p.Pro1714fs)

Gene: CIC (capicua transcriptional repressor; plus strand). Cytogenetic location: 19q13.2.
Variant type: Deletion.
Coding change: c.5141del on transcript NM_001386298.1 (MANE Select); coding-DNA position 5141, one base deleted (C; older notation c.5141delC).
Protein change: p.Pro1714fs; shifts the reading frame from proline 1714.
Molecular consequence: frameshift variant.
Genome position (GRCh38, 1-based): chr19:42,291,182, C deleted; the last of 2 consecutive C bases (chr19:42,291,181-42,291,182); deleting either gives the same sequence. VCF-style (leftmost placement, unchanged base first): chr19-42291180-GC-G. GRCh37 (hg19) VCF-style: chr19-42795332-GC-G.
Other names: c.5141del, p.Pro1714fs (NM_001304815.2, NM_001379480.1, NM_001379482.1); c.2414del, p.Pro805fs (NM_001379484.1, NM_001379485.1, NM_015125.5); short protein forms P805fs, P1714fs.
Identifiers: ClinVar variation 931015 (VCV000931015.4), dbSNP rs2038071036, ClinGen allele CA1139666476.